The following is an entry in ClinVar:

NM_030973.4(MED25):c.1099A>G (p.Met367Val)

Gene: MED25 (mediator complex subunit 25; plus strand). Cytogenetic location: 19q13.33.
Variant type: single nucleotide variant.
Coding change: c.1099A>G on transcript NM_030973.4 (MANE Select); coding-DNA position 1099, A replaced by G.
Protein change: p.Met367Val; replaces methionine 367 with valine.
Molecular consequence: missense variant.
Genome position (GRCh38, 1-based): chr19:49,830,885, A>G. VCF-style: chr19-49830885-A-G. GRCh37 (hg19) VCF-style: chr19-50334142-A-G.
Other names: c.1099A>G, p.Met367Val (NM_001378355.1); short protein forms M367V.
Identifiers: ClinVar variation 3125041 (VCV003125041.2), dbSNP rs980018976, ClinGen allele CA309516548.

ClinVar aggregate classification (germline): Uncertain significance. Review status: criteria provided, multiple submitters, no conflicts (2 of 4 stars). 2 submissions from 2 submitters: Uncertain significance (2). Last evaluated 2024-02-23.

Conditions:
Congenital cataract-microcephaly-nevus flammeus simplex-severe intellectual disability syndrome. Also called: Basel-Vanagaite-Smirin-Yosef syndrome. Identifiers: Orphanet 464738, MedGen C4225323, MONDO:0014643, OMIM 616449.
Inborn genetic diseases. Identifiers: MedGen C0950123, MeSH D030342.

Allele frequency attached by ClinVar (database versions not stated): gnomAD exomes 0.00001; TOPMed 0.00001.
gnomAD v4.1: 10 of 1,604,700 alleles (0.00062%); highest among the groups gnomAD compares: Admixed American, 0.0017%; no homozygotes.

Submissions (2):

ARUP Laboratories, Molecular Genetics and Genomics, ARUP Laboratories
Classification: Uncertain significance for Congenital cataract-microcephaly-nevus flammeus simplex-severe intellectual disability syndrome. Last evaluated: 2024-02-23. Review status: criteria provided, single submitter. Criteria: ARUP Molecular Germline Variant Investigation Process 2024. Collection method: clinical testing. Allele origin: germline.
Comment: The MED25 c.1099A>G; p.Met367Val variant (rs980018976), to our knowledge, is not reported in the medical literature or gene specific databases. This variant is only observed on three alleles in the Genome Aggregation Database (v2.1.1), indicating it is not a common polymorphism. Computational analyses are uncertain whether this variant is neutral or deleterious (REVEL: 0.307). Due to limited information, the clinical significance of this variant is uncertain at this time.

Ambry Genetics
Classification: Uncertain significance for Inborn genetic diseases. Last evaluated: 2023-11-15. Review status: criteria provided, single submitter. Criteria: Ambry Variant Classification Scheme 2023. Collection method: clinical testing. Allele origin: germline.